The following continues an entry in ClinVar:

NM_000492.4(CFTR):c.890G>A (p.Arg297Gln)

Gene: CFTR. ClinVar aggregate classification (germline): Conflicting classifications of pathogenicity. Uncertain significance (9); Benign (1); Likely benign (10).

Submissions 10 to 21 of 21:

ARUP Laboratories, Molecular Genetics and Genomics, ARUP Laboratories
Classification: Uncertain significance. Last evaluated: 2024-09-20. Review status: criteria provided, single submitter. Criteria: ARUP Molecular Germline Variant Investigation Process 2024. Collection method: clinical testing. Allele origin: germline.
Comment: The CFTR c.890G>A; p.Arg297Gln variant (rs143486492) is reported in the literature in multiple individuals affected with cystic fibrosis or CFTR-related disorders (Abou Alaiwa 2014, Casals 2004, Gallati 2009, Keiles 2006, Masson 2013, Raraigh 2022, Scotet 2000, Sultan 2012, Sutton 2010). However, this variant has also been reported on the same chromosome as the 5T variant (Hughes 2001, Tzetis 2001), and did not segregate with disease in at least one family (Dorval 1995). This variant is reported in ClinVar (Variation ID: 54082), and is found in the non-Finnish European population with an allele frequency of 0.12% (153/128492 alleles) in the Genome Aggregation Database (v2.1.1). Computational analyses predict that this variant is deleterious (REVEL: 0.717). Functional analyses of the variant protein show normal chloride channel activity (Chen 2000, Seibert 1997), but a defect in bicarbonate transport (Choi 2001). Due to conflicting information, the clinical significance of the p.Arg297Gln variant is uncertain at this time. References: Abou Alaiwa MH et al. Neonates with cystic fibrosis have a reduced nasal liquid pH; a small pilot study. J Cyst Fibros. 2014 Jul;13(4):373-7. PMID: 24418186. Casals T et al. Different CFTR mutational spectrum in alcoholic and idiopathic chronic pancreatitis? Pancreas. 2004 28(4):374-9. PMID: 15097853. Chen EY et al. Cystic fibrosis transmembrane conductance regulator has an altered structure when its maturation is inhibited. Biochemistry. 2000 Apr 4;39(13):3797-803. PMID: 10736180. Choi JY et al. Aberrant CFTR-dependent HCO3- transport in mutations associated with cystic fibrosis. Nature. 2001 Mar 1;410(6824):94-7. PMID: 11242048. Dorval I et al. French CF family genotype analysis shows that the R297Q mutation is a rare polymorphism. Hum Mutat. 1995;6(4):334-5. PMID: 8680407. Gallati S et al. Cystic fibrosis transmembrane conductance regulator mutations in azoospermic and oligospermic men and their partners. Reprod Biomed Online. 2009 19(5):685-94. PMID: 20021716. Hughes D et al. Mutation and haplotype analysis of the CFTR gene in atypically mild cystic fibrosis patients from Northern Ireland. J Med Genet. 2001 Feb;38(2):136-9. PMID: 11288718. Keiles S et al. Identification of CFTR, PRSS1, and SPINK1 mutations in 381 patients with pancreatitis. Pancreas. 2006 33(3):221-7. PMID: 17003641. Masson E et al. A conservative assessment of the major genetic causes of idiopathic chronic pancreatitis: data from a comprehensive analysis of PRSS1, SPINK1, CTRC and CFTR genes in 253 young French patients. PLoS One. 2013 8(8):e73522. PMID: 23951356. Raraigh KS et al. Complete CFTR gene sequencing in 5,058 individuals with cystic fibrosis informs variant-specific treatment. J Cyst Fibros. 2022 May;21(3):463-470. PMID: 34782259. Scotet V et al. Neonatal screening for cystic fibrosis in Brittany, France: assessment of 10 years' experience and impact on prenatal diagnosis. Lancet. 2000 Sep 2;356(9232):789-94. PMID: 11022925. Seibert FS et al. Disease-associated mutations in cytoplasmic loops 1 and 2 of cystic fibrosis transmembrane conductance regulator impede processing or opening of the channel. Biochemistry. 1997 Sep 30;36(39):11966-74. PMID: 9305991. Sultan M et al. Genetic prevalence and characteristics in children with recurrent pancreatitis. J Pediatr Gastroenterol Nutr. 2012 54(5):645-50. PMID: 22094894. Sutton JM et al. Total pancreatectomy and islet cell autotransplantation as a means of treating patients with genetically linked pancreatitis. Surgery. 2010 Oct;148(4):676-85; discussion 685-6. PMID: 20846557.

Institute of Human Genetics, University of Leipzig Medical Center
Classification: Uncertain significance for Cystic fibrosis. Last evaluated: 2022-09-05. Review status: criteria provided, single submitter. Criteria: ACMG Guidelines, 2015. Collection method: curation. Allele origin: unknown. Affected: yes. Observed: 1 variant allele.
Comment: The variant was classified in the context of a project re-classifying variants in the German Cystic Fibrosis Registry (Muko.e.V.). Criteria applied: PS3_SUP, PM3, PM5, BS3, BS4, BP2

Johns Hopkins Genomics, Johns Hopkins University
Classification: Likely benign for Cystic fibrosis. Last evaluated: 2022-06-15. Review status: criteria provided, single submitter. Criteria: ACMG Guidelines, 2015. Collection method: clinical testing. Allele origin: germline.

MGZ Medical Genetics Center
Classification: Uncertain significance for Cystic fibrosis. Last evaluated: 2022-03-30. Review status: criteria provided, single submitter. Criteria: ACMG Guidelines, 2015. Collection method: clinical testing. Allele origin: germline. Affected: yes. Observed: 1 variant allele.
Comment: ACMG criteria applied: PS4_MOD, PM3, PS3_SUP, PP3, BS3_SUP, BP2

Genome-Nilou Lab
Classification: Uncertain significance for Cystic fibrosis. Last evaluated: 2021-07-14. Review status: criteria provided, single submitter. Criteria: ACMG Guidelines, 2015. Collection method: clinical testing. Allele origin: germline. Affected: no.

Mayo Clinic Laboratories, Mayo Clinic
Classification: Uncertain significance. Last evaluated: 2021-07-13. Review status: criteria provided, single submitter. Criteria: ACMG Guidelines, 2015. Collection method: clinical testing. Allele origin: germline.

Mendelics
Classification: Likely benign for Cystic fibrosis. Last evaluated: 2019-05-28. Review status: criteria provided, single submitter. Criteria: Mendelics Assertion Criteria 2017. Collection method: clinical testing. Allele origin: unknown.

Ambry Genetics
Classification: Likely benign for Cystic fibrosis. Last evaluated: 2019-02-09. Review status: criteria provided, single submitter. Criteria: Ambry Variant Classification Scheme 2023. Collection method: clinical testing. Allele origin: germline.

Laboratory for Molecular Medicine, Mass General Brigham Personalized Medicine
Classification: Likely benign. Last evaluated: 2017-11-02. Review status: criteria provided, single submitter. Criteria: LMM Criteria. Collection method: clinical testing. Allele origin: germline. Observed: 1 variant allele.
Comment: p.Arg297Gln variant in exon 8 of CFTR: This variant is not expected to have clin ical significance because it has been identified in 2 unaffected individuals in trans with a pathogenic variant (Dorval 1995). This variant has also been report ed in ClinVar (Variation ID 54082) and has been identified in 0.1% (155/126020) of European chromosomes by the Genome Aggregation Database (gnomAD; dbSNP rs143486492). Computational prediction tools and con servation analysis suggest that the p.Arg297Gln variant may not impact the prote in, though this information is not predictive enough to rule out pathogenicity. ACMG/AMP Criteria applied: BS2, BP4.

Illumina Laboratory Services, Illumina
Classification: Likely benign for CFTR-Related Disorders. Last evaluated: 2017-04-27. Review status: criteria provided, single submitter. Criteria: ICSL Variant Classification Criteria 13 December 2019. Collection method: clinical testing. Allele origin: germline.
Comment: This variant was observed as part of a predisposition screen in an ostensibly healthy population. A literature search was performed for the gene, cDNA change, and amino acid change (where applicable). Publications were found based on this search. The evidence from the literature, in combination with allele frequency data from public databases where available, was sufficient to determine this variant is unlikely to cause disease. Therefore, this variant is classified as likely benign.

Eurofins Ntd Llc (ga)
Classification: Likely benign. Last evaluated: 2014-09-26. Review status: criteria provided, single submitter. Criteria: EGL Classification Definitions 2015. Collection method: clinical testing. Allele origin: germline. Observed: 1 variant allele, 1 heterozygote.

Natera, Inc.
Classification: Uncertain significance for Cystic Fibrosis. Last evaluated: 2017-11-14. Review status: no assertion criteria provided. Collection method: clinical testing. Allele origin: germline. Not counted in ClinVar's aggregate classification.

Literature cited by the submitters: PubMed 11354633 (cited by Women's Health and Genetics/Laboratory Corporation of America, LabCorp); PubMed 15097853 (cited by Women's Health and Genetics/Laboratory Corporation of America, LabCorp); PubMed 11022925 (cited by Women's Health and Genetics/Laboratory Corporation of America, LabCorp); PubMed 11168024 (cited by 3 submitters); PubMed 17003641 (cited by Women's Health and Genetics/Laboratory Corporation of America, LabCorp and Quest Diagnostics Nichols Institute San Juan Capistrano); PubMed 11242048 (cited by Women's Health and Genetics/Laboratory Corporation of America, LabCorp and Quest Diagnostics Nichols Institute San Juan Capistrano); PubMed 11788091 (cited by Women's Health and Genetics/Laboratory Corporation of America, LabCorp); PubMed 20021716 (cited by Women's Health and Genetics/Laboratory Corporation of America, LabCorp and Laboratory for Molecular Medicine, Mass General Brigham Personalized Medicine); PubMed 7551394 (cited by Women's Health and Genetics/Laboratory Corporation of America, LabCorp); PubMed 22094894 (cited by 4 submitters); PubMed 23951356 (cited by 3 submitters); PubMed 23514810 (cited by Women's Health and Genetics/Laboratory Corporation of America, LabCorp); PubMed 8680407 (cited by 6 submitters); PubMed 9305991 (cited by 4 submitters); PubMed 11288708 (cited by Women's Health and Genetics/Laboratory Corporation of America, LabCorp); PubMed 8818956 (cited by 3 submitters); PubMed 20846557 (cited by Women's Health and Genetics/Laboratory Corporation of America, LabCorp); PubMed 16778595 (cited by Women's Health and Genetics/Laboratory Corporation of America, LabCorp); PubMed 24418186 (cited by Women's Health and Genetics/Laboratory Corporation of America, LabCorp and Ambry Genetics); PubMed 11288718 (cited by 4 submitters); PubMed 20416310 (cited by Women's Health and Genetics/Laboratory Corporation of America, LabCorp and Illumina Laboratory Services, Illumina); PubMed 25033378 (cited by 3 submitters); PubMed 29589582 (cited by Women's Health and Genetics/Laboratory Corporation of America, LabCorp and Quest Diagnostics Nichols Institute San Juan Capistrano); PubMed 31674704 (cited by Women's Health and Genetics/Laboratory Corporation of America, LabCorp); PubMed 9691989 (cited by Women's Health and Genetics/Laboratory Corporation of America, LabCorp); PubMed 31450232 (cited by Women's Health and Genetics/Laboratory Corporation of America, LabCorp); PubMed 33572515 (cited by Women's Health and Genetics/Laboratory Corporation of America, LabCorp and Quest Diagnostics Nichols Institute San Juan Capistrano); PubMed 33946859 (cited by Women's Health and Genetics/Laboratory Corporation of America, LabCorp and Quest Diagnostics Nichols Institute San Juan Capistrano); PubMed 38388235 (cited by Women's Health and Genetics/Laboratory Corporation of America, LabCorp and Quest Diagnostics Nichols Institute San Juan Capistrano); PubMed 25087612 (cited by Quest Diagnostics Nichols Institute San Juan Capistrano and Laboratory for Molecular Medicine, Mass General Brigham Personalized Medicine); PubMed 18456578 (cited by Quest Diagnostics Nichols Institute San Juan Capistrano); PubMed 18597042 (cited by Quest Diagnostics Nichols Institute San Juan Capistrano); PubMed 17489851 (cited by Quest Diagnostics Nichols Institute San Juan Capistrano and Ambry Genetics); PubMed 28502372 (cited by Quest Diagnostics Nichols Institute San Juan Capistrano); PubMed 1284534 (cited by 3 submitters); PubMed 38695616 (cited by Quest Diagnostics Nichols Institute San Juan Capistrano); PubMed 34782259 (cited by Quest Diagnostics Nichols Institute San Juan Capistrano); PubMed 37628659 (cited by Quest Diagnostics Nichols Institute San Juan Capistrano); PubMed 38515211 (cited by Quest Diagnostics Nichols Institute San Juan Capistrano); PubMed 9272157 (cited by 3billion); PubMed 10736180 (cited by Johns Hopkins Genomics, Johns Hopkins University).